The following is an entry in ClinVar:

ClinVar aggregate classification (germline): Pathogenic (1 of 4 stars; one submission).

Submission:

GeneDx
Classification: Pathogenic. Last evaluated: 2014-01-17. Review status: criteria provided, single submitter. Criteria: GeneDx Variant Classification (06012015). Collection method: clinical testing. Allele origin: germline. Affected: yes.
Comment: This variant is denoted c.524delG: p.Gly175AlafsX37 (G175AfsX37) in exon 1 of the PCDH19 gene (NM_001105243.1). The normal sequence with the base that is deleted in braces is: TTCG{G}CCTG. The c.524delG mutation in the PCDH19 gene causes a frameshift starting with codon Glycine 175, changes this amino acid to an Alanine residue and creates a premature Stop codon at position 37 of the new reading frame, denoted p.Gly175AlafsX37. This mutation is predicted to cause loss of normal protein function either through protein truncation or nonsense-mediated mRNA decay. Although this mutation has not been previously reported to our knowledge, its presence is consistent with a diagnosis of a PCDH19-related disorder. The variant is found in EPILEPSY panel(s).

NM_001184880.2(PCDH19):c.524del (p.Gly175fs)

Gene: PCDH19 (protocadherin 19; minus strand). Cytogenetic location: Xq22.1.
Variant type: Deletion.
Coding change: c.524del on transcript NM_001184880.2 (MANE Select); coding-DNA position 524, one base deleted (G; older notation c.524delG).
Protein change: p.Gly175fs; shifts the reading frame from glycine 175.
Molecular consequence: frameshift variant.
Genome position (GRCh38, 1-based): chrX:100,408,074, C deleted on the plus strand (G on the coding strand, the reverse complement: PCDH19 is on the minus strand); the first of 2 consecutive C bases (chrX:100,408,074-100,408,075); deleting either gives the same sequence. VCF-style (leftmost placement, unchanged base first): chrX-100408073-GC-G. GRCh37 (hg19) VCF-style: chrX-99663071-GC-G.
Other names: c.524del, p.Gly175fs (NM_001105243.2, NM_020766.3); short protein forms G175fs.
Identifiers: ClinVar variation 206349 (VCV000206349.1), dbSNP rs796052826, ClinGen allele CA316399.
Genomic context (GRCh38, chrX:100,408,073, plus strand): 5'-GCTCTTTTCCACCACGAGTTCGGCAAAGCGGGAGCCGTCGCCGCGCGTCTTGATCTCCAG[GC>G]CGAACAGCTCGTTGGGCGTGAGCTCGTAAGTCTGCACGCCAAAGCTTCCTGAGTCTGGAT-3'